The following is an entry in ClinVar:

ClinVar aggregate classification (germline): Uncertain significance. Review status: criteria provided, multiple submitters, no conflicts (2 of 4 stars). 2 submissions from 2 submitters: Uncertain significance (2). Last evaluated 2025-04-21.

Conditions:
Maturity-onset diabetes of the young type 8 (MODY8). Also called: DIABETES-PANCREATIC EXOCRINE DYSFUNCTION SYNDROME; DIABETES AND PANCREATIC EXOCRINE DYSFUNCTION. Identifiers: Orphanet 552, MedGen C1853297, MONDO:0012348, OMIM 609812.

gnomAD v4.1: 15 of 1,614,036 alleles (0.00093%); highest among the groups gnomAD compares: African/African-American, 0.0013%; no homozygotes.

Submissions (2):

GeneDx
Classification: Uncertain significance. Last evaluated: 2025-04-21. Review status: criteria provided, single submitter. Criteria: GeneDx Variant Classification Process June 2021. Collection method: clinical testing. Allele origin: germline. Affected: yes.
Comment: In silico analysis indicates that this missense variant does not alter protein structure/function; Has not been previously published as pathogenic or benign to our knowledge

Fulgent Genetics
Classification: Uncertain significance for Maturity-onset diabetes of the young type 8. Last evaluated: 2024-02-03. Review status: criteria provided, single submitter. Criteria: ACMG Guidelines, 2015. Collection method: clinical testing. Allele origin: germline.

NM_001807.6(CEL):c.110A>G (p.Asn37Ser)

Gene: CEL (carboxyl ester lipase; plus strand). Cytogenetic location: 9q34.13.
Variant type: single nucleotide variant.
Coding change: c.110A>G on transcript NM_001807.6 (MANE Select); coding-DNA position 110, A replaced by G.
Protein change: p.Asn37Ser; replaces asparagine 37 with serine.
Molecular consequence: missense variant.
Genome position (GRCh38, 1-based): chr9:133,064,447, A>G. VCF-style: chr9-133064447-A-G. GRCh37 (hg19) VCF-style: chr9-135939834-A-G.
Other names: c.119A>G (NM_001807.3); short protein forms N37S.
Identifiers: ClinVar variation 3596520 (VCV003596520.2).